The following is an entry in ClinVar:

ClinVar aggregate classification (germline): Uncertain significance (1 of 4 stars; one submission).

Conditions:
Hereditary cancer-predisposing syndrome. Also called: Neoplastic Syndromes, Hereditary; Tumor predisposition; Hereditary neoplastic syndrome; Hereditary Cancer Syndrome. Identifiers: Orphanet 140162, MedGen C0027672, MeSH D009386, MONDO:0015356.

Submission:

Ambry Genetics
Classification: Uncertain significance for Hereditary cancer-predisposing syndrome. Last evaluated: 2026-07-02. Review status: criteria provided, single submitter. Criteria: Ambry Variant Classification Scheme 2023. Collection method: clinical testing. Allele origin: germline.
Comment: The p.F402S variant (also known as c.1205T>C), located in coding exon 4 of the MSH6 gene, results from a T to C substitution at nucleotide position 1205. The phenylalanine at codon 402 is replaced by serine, an amino acid with highly dissimilar properties. This amino acid position is conserved. In addition, this alteration is predicted to be deleterious by in silico analysis. Based on the available evidence, the clinical significance of this variant remains unclear.

NM_000179.3(MSH6):c.1205T>C (p.Phe402Ser)

Gene: MSH6 (mutS homolog 6; plus strand). Cytogenetic location: 2p16.3.
Variant type: single nucleotide variant.
Coding change: c.1205T>C on transcript NM_000179.3 (MANE Select); coding-DNA position 1205, T replaced by C.
Protein change: p.Phe402Ser; replaces phenylalanine 402 with serine.
Molecular consequence: missense variant. On other transcripts: non-coding transcript variant (4), intron variant (1).
Genome position (GRCh38, 1-based): chr2:47,799,188, T>C. VCF-style: chr2-47799188-T-C. GRCh37 (hg19) VCF-style: chr2-48026327-T-C.
Other names: c.299T>C, p.Phe100Ser (NM_001406812.1, NM_001406814.1, NM_001406815.1 and 6 more transcripts); c.1211T>C, p.Phe404Ser (NM_001406813.1); c.1205T>C, p.Phe402Ser (NM_001406817.1, NM_001406796.1, NM_001406798.1 and 4 more transcripts); c.908T>C, p.Phe303Ser (NM_001406818.1, NM_001406819.1, NM_001406820.1 and 10 more transcripts); c.815T>C, p.Phe272Ser (NM_001281492.2); c.1301T>C, p.Phe434Ser (NM_001406795.1, NM_001406802.1); c.680T>C, p.Phe227Ser (NM_001406799.1, NM_001406806.1, NM_001406807.1); c.1127T>C, p.Phe376Ser (NM_001406804.1); and 2 more; short protein forms F346S, F402S, F434S, F272S, F404S, F227S, F100S, F303S.
Identifiers: ClinVar variation 5024884 (VCV005024884.1).
Genomic context (GRCh38, chr2:47,799,188, plus strand): 5'-ACAGGAGGAGGCCTGATCACCCCGATTTTGATGCATCTACACTCTATGTGCCTGAGGATT[T>C]CCTCAATTCTTGTACTCCTGGGATGAGGAAGTGGTGGCAGATTAAGTCTCAGAACTTTGA-3'
Protein context (NP_000170.1, residues 392-412): DASTLYVPED[Phe402Ser]LNSCTPGMRK